The following is an entry in ClinVar:

NM_001144757.3(SCG5):c.11G>A (p.Arg4Lys)

Genes: ARHGAP11A-SCG5 (ARHGAP11A-SCG5 readthrough; plus strand), SCG5 (secretogranin V; plus strand). Cytogenetic location: 15q13.3.
Variant type: single nucleotide variant.
Coding change: c.11G>A on transcript NM_001144757.3 (MANE Select); coding-DNA position 11, G replaced by A.
Protein change: p.Arg4Lys; replaces arginine 4 with lysine.
Molecular consequence: missense variant.
Genome position (GRCh38, 1-based): chr15:32,643,603, G>A. VCF-style: chr15-32643603-G-A. GRCh37 (hg19) VCF-style: chr15-32935804-G-A.
Other names: c.1253G>A, p.Arg418Lys (NM_001368319.1); c.11G>A, p.Arg4Lys (NM_001394278.1, NM_001394279.1, NM_003020.5); short protein forms R418K, R4K.
Identifiers: ClinVar variation 3158398 (VCV003158398.3), dbSNP rs772090948, ClinGen allele CA7455843.

ClinVar aggregate classification (germline): Uncertain significance (1 of 4 stars; one submission).

Allele frequency attached by ClinVar (database versions not stated): gnomAD 0.00021; TOPMed 0.00023; gnomAD exomes 0.00003; ExAC 0.00002.
gnomAD v4.1: 68 of 1,613,556 alleles (0.0042%); highest among the groups gnomAD compares: African/African-American, 0.087%; no homozygotes.

Submission:

Ambry Genetics
Classification: Uncertain significance. Last evaluated: 2026-07-02. Review status: criteria provided, single submitter. Criteria: Ambry Variant Classification Scheme 2023. Collection method: clinical testing. Allele origin: germline.
Comment: The p.R4K variant (also known as c.11G>A), located in coding exon 1 of the SCG5 gene, results from a G to A substitution at nucleotide position 11. The arginine at codon 4 is replaced by lysine, an amino acid with highly similar properties. This amino acid position is conserved. In addition, this alteration is predicted to be tolerated by in silico analysis. Based on the available evidence, the clinical significance of this variant remains unclear.